The following is an entry in ClinVar:

NM_015178.3(RHOBTB2):c.974A>G (p.Gln325Arg)

Gene: RHOBTB2 (Rho related BTB domain containing 2; plus strand). Cytogenetic location: 8p21.3.
Variant type: single nucleotide variant.
Coding change: c.974A>G on transcript NM_015178.3 (MANE Select); coding-DNA position 974, A replaced by G.
Protein change: p.Gln325Arg; replaces glutamine 325 with arginine.
Molecular consequence: missense variant.
Genome position (GRCh38, 1-based): chr8:23,007,219, A>G. VCF-style: chr8-23007219-A-G. GRCh37 (hg19) VCF-style: chr8-22864732-A-G.
Other names: c.1040A>G (NM_001160036.1); c.1040A>G, p.Gln347Arg (NM_001160036.2); c.995A>G, p.Gln332Arg (NM_001160037.2); c.974A>G, p.Gln325Arg (NM_001374791.1); short protein forms Q325R, Q332R, Q347R.
Identifiers: ClinVar variation 1669698 (VCV001669698.10), dbSNP rs201146480, ClinGen allele CA4672573.
Genomic context (GRCh38, chr8:23,007,219, plus strand): 5'-TGGGGGGCCCCTCGGAGCCAGGGGGCACCCACCCAGAGGACCACCAGGGCCACTCTGATC[A>G]ACACCACCACCATCACCACCACCACCATGGGCGAGACTTCCTGCTCCGAGCAGCCAGCTT-3'
Protein context (NP_055993.2, residues 315-335): HPEDHQGHSD[Gln325Arg]HHHHHHHHHG

ClinVar aggregate classification (germline): Benign/Likely benign. Review status: criteria provided, multiple submitters, no conflicts (2 of 4 stars). 3 submissions from 3 submitters: Benign (1); Likely benign (2). Last evaluated 2026-01-21.

Conditions:
Inborn genetic diseases. Identifiers: MedGen C0950123, MeSH D030342.
RHOBTB2-related disorder. Also called: RHOBTB2-related condition.

Allele frequency attached by ClinVar (database versions not stated): gnomAD 0.00013 and 0.00014; TOPMed 0.00017; gnomAD exomes 0.00018 and 0.00034; ExAC 0.00026.
gnomAD v4.1: 293 of 1,608,098 alleles (0.018%); highest among the groups gnomAD compares: Admixed American, 0.013%; 2 homozygotes.

Submissions (3):

Labcorp Genetics (formerly Invitae), Labcorp
Classification: Benign. Last evaluated: 2026-01-21. Review status: criteria provided, single submitter. Criteria: Invitae Variant Classification Sherloc (09022015). Collection method: clinical testing. Allele origin: germline.

PreventionGenetics, part of Exact Sciences
Classification: Likely benign for RHOBTB2-related condition. Last evaluated: 2024-10-10. Review status: criteria provided, single submitter. Criteria: ACMG Guidelines, 2015. Collection method: clinical testing. Allele origin: germline.
Comment: This variant is classified as likely benign based on ACMG/AMP sequence variant interpretation guidelines (Richards et al. 2015 PMID: 25741868, with internal and published modifications).

Ambry Genetics
Classification: Likely benign for Inborn genetic diseases. Last evaluated: 2021-09-15. Review status: criteria provided, single submitter. Criteria: Ambry Variant Classification Scheme 2023. Collection method: clinical testing. Allele origin: germline.